The following is an entry in ClinVar:

NM_003384.2(VRK1):c.318_889+1945del

Gene: VRK1 (VRK serine/threonine kinase 1; plus strand). Cytogenetic location: 14q32.2.
Variant type: Deletion.
Coding change: c.318_889+1945del on transcript NM_003384.2; coding-DNA position 318 through 1945 bases into the intron after coding-DNA position 889, this stretch deleted.
Identifiers: ClinVar variation 567048 (VCV000567048.4).

ClinVar aggregate classification (germline): Likely pathogenic (1 of 4 stars; one submission).

Conditions:
Congenital pontocerebellar hypoplasia type 1. Also called: Pontocerebellar hypoplasia type 1. Identifiers: Orphanet 2254, MedGen C5442006, MONDO:0016396.

Submission:

Labcorp Genetics (formerly Invitae), Labcorp
Classification: Likely pathogenic for Pontocerebellar hypoplasia type 1. Last evaluated: 2019-10-21. Review status: criteria provided, single submitter. Criteria: Invitae Variant Classification Sherloc (09022015). Collection method: clinical testing. Allele origin: germline.
Comment: This variant results in the deletion of part of exon 5 and all of exons 6-10 (c.318_889+1945del) of the VRK1 gene. It is expected to disrupt RNA splicing and likely results in an absent or disrupted protein product. This variant has not been reported in the literature in individuals with VRK1-related conditions. ClinVar contains an entry for this variant (Variation ID: 567048). Loss-of-function variants in VRK1 are known to be pathogenic (PMID: 19646678). In summary, the currently available evidence indicates that the variant is pathogenic, but additional data are needed to prove that conclusively. Therefore, this variant has been classified as Likely Pathogenic.